The following is an entry in ClinVar:

NM_032043.3(BRIP1):c.2519G>C (p.Gly840Ala)

Gene: BRIP1 (BRCA1 interacting helicase 1; minus strand). Cytogenetic location: 17q23.2.
Variant type: single nucleotide variant.
Coding change: c.2519G>C on transcript NM_032043.3 (MANE Select); coding-DNA position 2519, G replaced by C.
Protein change: p.Gly840Ala; replaces glycine 840 with alanine.
Molecular consequence: missense variant.
Genome position (GRCh38, 1-based): chr17:61,693,486, C>G on the plus strand (G>C on the coding strand, the complement: BRIP1 is on the minus strand). VCF-style: chr17-61693486-C-G. GRCh37 (hg19) VCF-style: chr17-59770847-C-G.
Other names: short protein forms G840A.
Identifiers: ClinVar variation 1316105 (VCV001316105.2), dbSNP rs2144187127, ClinGen allele CA400482448.

ClinVar aggregate classification (germline): Uncertain significance (1 of 4 stars; one submission).

Submission:

GeneDx
Classification: Uncertain significance. Last evaluated: 2019-07-02. Review status: criteria provided, single submitter. Criteria: GeneDx Variant Classification Process June 2021. Collection method: clinical testing. Allele origin: germline. Affected: yes.
Comment: Not observed in large population cohorts (Lek et al., 2016); In silico analysis, which includes protein predictors and evolutionary conservation, supports a deleterious effect; Has not been previously published as pathogenic or benign to our knowledge